The following is an entry in ClinVar:

ClinVar aggregate classification (germline): Uncertain significance (1 of 4 stars; one submission).

Allele frequency attached by ClinVar (database versions not stated): ExAC 0.00002; gnomAD exomes 0.00002; gnomAD 0.00003; TOPMed 0.00003; ESP Exome Variant Server 0.00008.
gnomAD v4.1: 61 of 1,602,298 alleles (0.0038%); highest among the groups gnomAD compares: South Asian, 0.0077%; no homozygotes.

Submission:

Labcorp Genetics (formerly Invitae), Labcorp
Classification: Uncertain significance. Last evaluated: 2024-06-22. Review status: criteria provided, single submitter. Criteria: Invitae Variant Classification Sherloc (09022015). Collection method: clinical testing. Allele origin: germline.
Comment: This sequence change falls in intron 1 of the FGF23 gene. It does not directly change the encoded amino acid sequence of the FGF23 protein. It affects a nucleotide within the consensus splice site. This variant is present in population databases (rs373361362, gnomAD 0.004%). This variant has not been reported in the literature in individuals affected with FGF23-related conditions. ClinVar contains an entry for this variant (Variation ID: 1516155). Variants that disrupt the consensus splice site are a relatively common cause of aberrant splicing (PMID: 17576681, 9536098). Algorithms developed to predict the effect of sequence changes on RNA splicing suggest that this variant is not likely to affect RNA splicing. In summary, the available evidence is currently insufficient to determine the role of this variant in disease. Therefore, it has been classified as a Variant of Uncertain Significance.

Literature cited by the submitters: PubMed 17576681; PubMed 9536098.

NM_020638.3(FGF23):c.212-3T>C

Gene: FGF23 (fibroblast growth factor 23; minus strand). Cytogenetic location: 12p13.32.
Variant type: single nucleotide variant.
Coding change: c.212-3T>C on transcript NM_020638.3 (MANE Select); 3 bases into the intron before coding-DNA position 212, T replaced by C.
Molecular consequence: intron variant.
Genome position (GRCh38, 1-based): chr12:4,372,700, A>G on the plus strand (T>C on the coding strand, the complement: FGF23 is on the minus strand). VCF-style: chr12-4372700-A-G. GRCh37 (hg19) VCF-style: chr12-4481866-A-G.
Identifiers: ClinVar variation 1516155 (VCV001516155.6), dbSNP rs373361362, ClinGen allele CA6395735.